The following is an entry in ClinVar:

NM_080680.3(COL11A2):c.599T>G (p.Val200Gly)

Gene: COL11A2 (collagen type XI alpha 2 chain; minus strand). Cytogenetic location: 6p21.32.
Variant type: single nucleotide variant.
Coding change: c.599T>G on transcript NM_080680.3 (MANE Select); coding-DNA position 599, T replaced by G.
Protein change: p.Val200Gly; replaces valine 200 with glycine.
Molecular consequence: missense variant.
Genome position (GRCh38, 1-based): chr6:33,188,369, A>C on the plus strand (T>G on the coding strand, the complement: COL11A2 is on the minus strand). VCF-style: chr6-33188369-A-C. GRCh37 (hg19) VCF-style: chr6-33156146-A-C.
Other names: c.599T>G, p.Val200Gly (NM_001163771.2, NM_080679.3, NM_080681.3); short protein forms V200G.
Identifiers: ClinVar variation 1997812 (VCV001997812.1), dbSNP rs2535533426, ClinGen allele CA363611171.

ClinVar aggregate classification (germline): Uncertain significance (1 of 4 stars; one submission).

Submission:

Labcorp Genetics (formerly Invitae), Labcorp
Classification: Uncertain significance. Last evaluated: 2022-05-31. Review status: criteria provided, single submitter. Criteria: Invitae Variant Classification Sherloc (09022015). Collection method: clinical testing. Allele origin: germline.
Comment: This sequence change replaces valine, which is neutral and non-polar, with glycine, which is neutral and non-polar, at codon 200 of the COL11A2 protein (p.Val200Gly). This variant is not present in population databases (gnomAD no frequency). This variant has not been reported in the literature in individuals affected with COL11A2-related conditions. Advanced modeling of protein sequence and biophysical properties (such as structural, functional, and spatial information, amino acid conservation, physicochemical variation, residue mobility, and thermodynamic stability) performed at Invitae indicates that this missense variant is not expected to disrupt COL11A2 protein function. In summary, the available evidence is currently insufficient to determine the role of this variant in disease. Therefore, it has been classified as a Variant of Uncertain Significance.